The following is an entry in ClinVar:

ClinVar aggregate classification (germline): Uncertain significance. Review status: criteria provided, multiple submitters, no conflicts (2 of 4 stars). 2 submissions from 2 submitters: Uncertain significance (2). Last evaluated 2025-06-12.

Conditions:
Short-rib thoracic dysplasia 13 with or without polydactyly (SRTD13). Identifiers: Orphanet 474, MedGen C4225378, MONDO:0014577, OMIM 616300.
Inborn genetic diseases. Identifiers: MedGen C0950123, MeSH D030342.

Allele frequency attached by ClinVar (database versions not stated): gnomAD exomes below 0.00001; TOPMed 0.00001.
gnomAD v4.1: 2 of 1,610,938 alleles (0.00012%); highest among the groups gnomAD compares: Non-Finnish European, 0.00017%; no homozygotes.

Submissions (2):

Labcorp Genetics (formerly Invitae), Labcorp
Classification: Uncertain significance for Short-rib thoracic dysplasia 13 with or without polydactyly. Last evaluated: 2025-06-12. Review status: criteria provided, single submitter. Criteria: Invitae Variant Classification Sherloc (09022015). Collection method: clinical testing. Allele origin: germline.
Comment: This sequence change replaces valine, which is neutral and non-polar, with alanine, which is neutral and non-polar, at codon 581 of the CEP120 protein (p.Val581Ala). This variant is present in population databases (no rsID available, gnomAD 0.0009%). This variant has not been reported in the literature in individuals affected with CEP120-related conditions. ClinVar contains an entry for this variant (Variation ID: 2198618). Invitae Evidence Modeling of protein sequence and biophysical properties (such as structural, functional, and spatial information, amino acid conservation, physicochemical variation, residue mobility, and thermodynamic stability) indicates that this missense variant is not expected to disrupt CEP120 protein function with a negative predictive value of 80%. In summary, the available evidence is currently insufficient to determine the role of this variant in disease. Therefore, it has been classified as a Variant of Uncertain Significance.

Ambry Genetics
Classification: Uncertain significance for Inborn genetic diseases. Last evaluated: 2025-02-25. Review status: criteria provided, single submitter. Criteria: Ambry Variant Classification Scheme 2023. Collection method: clinical testing. Allele origin: germline.

NM_001375405.1(CEP120):c.1742T>C (p.Val581Ala)

Gene: CEP120 (centrosomal protein 120; minus strand). Cytogenetic location: 5q23.2.
Variant type: single nucleotide variant.
Coding change: c.1742T>C on transcript NM_001375405.1 (MANE Select); coding-DNA position 1742, T replaced by C.
Protein change: p.Val581Ala; replaces valine 581 with alanine.
Molecular consequence: missense variant. On other transcripts: non-coding transcript variant (1).
Genome position (GRCh38, 1-based): chr5:123,384,972, A>G on the plus strand (T>C on the coding strand, the complement: CEP120 is on the minus strand). VCF-style: chr5-123384972-A-G. GRCh37 (hg19) VCF-style: chr5-122720666-A-G.
Other names: c.1664T>C, p.Val555Ala (NM_001166226.2); c.1607T>C, p.Val536Ala (NM_001375406.1); c.1742T>C, p.Val581Ala (NM_001375407.1, NM_153223.4); c.1169T>C, p.Val390Ala (NM_001375408.1, NM_001375409.1); c.1742T>C (NM_153223.3); short protein forms V536A, V390A, V581A, V555A.
Identifiers: ClinVar variation 2198618 (VCV002198618.5), dbSNP rs1249847160, ClinGen allele CA360902204.